The following is an entry in ClinVar:

ClinVar aggregate classification (germline): Uncertain significance. Review status: criteria provided, multiple submitters, no conflicts (2 of 4 stars). 2 submissions from 2 submitters: Uncertain significance (2). Last evaluated 2023-01-13.

Conditions:
Schwartz-Jampel syndrome type 1 (SJS1). Also called: MYOTONIC MYOPATHY, DWARFISM, CHONDRODYSTROPHY, AND OCULAR AND FACIAL ABNORMALITIES; CHONDRODYSTROPHIC MYOTONIA. Identifiers: MedGen C4551479, MONDO:0100435, OMIM 255800.
Lethal Kniest-like syndrome (DDSH). Also called: Dyssegmental Dysplasia. Identifiers: Orphanet 1865, MedGen C1857100, MONDO:0009140, OMIM 224410.

Allele frequency attached by ClinVar (database versions not stated): gnomAD exomes below 0.00001; TOPMed below 0.00001; gnomAD 0.00001.
gnomAD v4.1: 4 of 1,613,278 alleles (0.00025%); highest among the groups gnomAD compares: East Asian, 0.0022%; no homozygotes.

Submissions (2):

Laboratorio de Genetica e Diagnostico Molecular, Hospital Israelita Albert Einstein
Classification: Uncertain significance for Lethal Kniest-like syndrome. Last evaluated: 2023-01-13. Review status: criteria provided, single submitter. Criteria: ACMG Guidelines, 2015. Collection method: clinical testing. Allele origin: germline. Affected: yes. Observed: 1 variant allele.
Comment: ACMG classification criteria: PM2 moderated, PP3 supporting

Neuberg Centre For Genomic Medicine, NCGM
Classification: Uncertain significance for Schwartz-Jampel syndrome type 1. Review status: criteria provided, single submitter. Criteria: ACMG Guidelines, 2015. Collection method: clinical testing. Allele origin: germline. Inheritance: Autosomal recessive inheritance. Affected: yes.
Comment: The missense variant c.11890G>A (p.Gly3964Arg) in the HSPG2 gene has not been reported previously as a pathogenic variant nor as a benign variant, to our knowledge. This variant is reported with the allele frequency (0.0004%) in the gnomAD Exomes. This variant has been reported to the ClinVar database as Uncertain Significance. However, no details are available for independent assessment. The amino acid Gly at position 3964 is changed to a Arg changing protein sequence and it might alter its composition and physico-chemical properties. Multiple lines of computational evidence (Polyphen - Damaging, SIFT - Damaging and MutationTaster - Disease causing) predict a damaging effect on protein structure and function for this variant. The amino acid change p.Gly3964Arg in HSPG2 is predicted as conserved by GERP++ and PhyloP across 100 vertebrates. For these reasons, this variant has been classified as Uncertain Significance.

NM_005529.7(HSPG2):c.11890G>A (p.Gly3964Arg)

Gene: HSPG2 (heparan sulfate proteoglycan 2; minus strand). Cytogenetic location: 1p36.12.
Variant type: single nucleotide variant.
Coding change: c.11890G>A on transcript NM_005529.7 (MANE Select); coding-DNA position 11890, G replaced by A.
Protein change: p.Gly3964Arg; replaces glycine 3964 with arginine.
Molecular consequence: missense variant.
Genome position (GRCh38, 1-based): chr1:21,829,485, C>T on the plus strand (G>A on the coding strand, the complement: HSPG2 is on the minus strand). VCF-style: chr1-21829485-C-T. GRCh37 (hg19) VCF-style: chr1-22155978-C-T.
Other names: c.11893G>A, p.Gly3965Arg (NM_001291860.2); short protein forms G3964R, G3965R.
Identifiers: ClinVar variation 2431787 (VCV002431787.2), dbSNP rs1339990509, ClinGen allele CA338901993.